The following is an entry in ClinVar:

ClinVar aggregate classification (germline): Uncertain significance. Review status: criteria provided, multiple submitters, no conflicts (2 of 4 stars). 2 submissions from 2 submitters: Uncertain significance (2). Last evaluated 2022-03-14.

Conditions:
Charcot-Marie-Tooth disease axonal type 2P. Also called: CHARCOT-MARIE-TOOTH DISEASE, AXONAL, TYPE 2G; CMT 2G; Charcot-Marie-Tooth Neuropathy Type 2G; CHARCOT-MARIE-TOOTH NEUROPATHY, TYPE 2P. Identifiers: Orphanet 300319, Orphanet 99941, MedGen C3280797, MONDO:0013753, OMIM 614436.

gnomAD v4.1: 1 of 1,611,934 alleles (0.000062%); highest among the groups gnomAD compares: Non-Finnish European, 0.000085%; no homozygotes.

Submissions (2):

Labcorp Genetics (formerly Invitae), Labcorp
Classification: Uncertain significance for Charcot-Marie-Tooth disease axonal type 2P. Last evaluated: 2022-03-14. Review status: criteria provided, single submitter. Criteria: Invitae Variant Classification Sherloc (09022015). Collection method: clinical testing. Allele origin: germline.
Comment: ClinVar contains an entry for this variant (Variation ID: 1328830). This variant has not been reported in the literature in individuals affected with LRSAM1-related conditions. This variant is present in population databases (no rsID available, gnomAD 0.0009%). This sequence change replaces leucine, which is neutral and non-polar, with proline, which is neutral and non-polar, at codon 306 of the LRSAM1 protein (p.Leu306Pro). Algorithms developed to predict the effect of missense changes on protein structure and function (SIFT, PolyPhen-2, Align-GVGD) all suggest that this variant is likely to be disruptive. In summary, the available evidence is currently insufficient to determine the role of this variant in disease. Therefore, it has been classified as a Variant of Uncertain Significance.

GeneDx
Classification: Uncertain significance. Last evaluated: 2021-12-15. Review status: criteria provided, single submitter. Criteria: GeneDx Variant Classification Process June 2021. Collection method: clinical testing. Allele origin: germline. Affected: yes.
Comment: Has not been previously published as pathogenic or benign to our knowledge; In silico analysis supports that this missense variant has a deleterious effect on protein structure/function; Not observed at a significant frequency in large population cohorts (Lek et al., 2016)

NM_001005373.4(LRSAM1):c.917T>C (p.Leu306Pro)

Gene: LRSAM1 (leucine rich repeat and sterile alpha motif containing 1; plus strand). Cytogenetic location: 9q33.3.
Variant type: single nucleotide variant.
Coding change: c.917T>C on transcript NM_001005373.4 (MANE Select); coding-DNA position 917, T replaced by C.
Protein change: p.Leu306Pro; replaces leucine 306 with proline.
Molecular consequence: missense variant. On other transcripts: non-coding transcript variant (2).
Genome position (GRCh38, 1-based): chr9:127,479,852, T>C. VCF-style: chr9-127479852-T-C. GRCh37 (hg19) VCF-style: chr9-130242131-T-C.
Other names: c.917T>C, p.Leu306Pro (NM_001005374.4, NM_001190723.3, NM_001384142.1 and 2 more transcripts); c.128T>C, p.Leu43Pro (NM_001384144.1); short protein forms L306P, L43P.
Identifiers: ClinVar variation 1328830 (VCV001328830.6), dbSNP rs140151379, ClinGen allele CA374931387.